The following is an entry in ClinVar:

ClinVar aggregate classification (germline): Pathogenic (1 of 4 stars; one submission).

Allele frequency attached by ClinVar (database versions not stated): gnomAD 0.00001.

Submission:

Labcorp Genetics (formerly Invitae), Labcorp
Classification: Pathogenic. Last evaluated: 2025-08-04. Review status: criteria provided, single submitter. Criteria: Invitae Variant Classification Sherloc (09022015). Collection method: clinical testing. Allele origin: germline.
Comment: This sequence change creates a premature translational stop signal (p.Val556Trpfs*3) in the ACO2 gene. It is expected to result in an absent or disrupted protein product. Loss-of-function variants in ACO2 are known to be pathogenic (PMID: 30689204, 32519519). This variant is not present in population databases (gnomAD no frequency). This variant has not been reported in the literature in individuals affected with ACO2-related conditions. ClinVar contains an entry for this variant (Variation ID: 1454488). For these reasons, this variant has been classified as Pathogenic.

Literature cited by the submitters: PubMed 30689204; PubMed 32519519.

NM_001098.3(ACO2):c.1666del (p.Val556fs)

Genes: ACO2 (aconitase 2; plus strand), LOC130067544 (ATAC-STARR-seq lymphoblastoid active region 19118; plus strand). Cytogenetic location: 22q13.2.
Variant type: Deletion.
Coding change: c.1666del on transcript NM_001098.3 (MANE Select); coding-DNA position 1666, one base deleted (G; older notation c.1666delG).
Protein change: p.Val556fs; shifts the reading frame from valine 556.
Molecular consequence: frameshift variant.
Genome position (GRCh38, 1-based): chr22:41,525,253, G deleted. VCF-style (leftmost placement, unchanged base first): chr22-41525252-TG-T. GRCh37 (hg19) VCF-style: chr22-41921256-TG-T.
Other names: short protein forms V556fs.
Identifiers: ClinVar variation 1454488 (VCV001454488.6), dbSNP rs2066570950, ClinGen allele CA1025872121.